The following is an entry in ClinVar:

NM_004991.4(MECOM):c.1067C>A (p.Thr356Lys)

Gene: MECOM (MDS1 and EVI1 complex locus; minus strand). Cytogenetic location: 3q26.2.
Variant type: single nucleotide variant.
Coding change: c.1067C>A on transcript NM_004991.4 (MANE Select); coding-DNA position 1067, C replaced by A.
Protein change: p.Thr356Lys; replaces threonine 356 with lysine.
Molecular consequence: missense variant.
Genome position (GRCh38, 1-based): chr3:169,121,121, G>T on the plus strand (C>A on the coding strand, the complement: MECOM is on the minus strand). VCF-style: chr3-169121121-G-T. GRCh37 (hg19) VCF-style: chr3-168838909-G-T.
Other names: c.698C>A, p.Thr233Lys (NM_001105077.4); c.503C>A, p.Thr168Lys (NM_001105078.4, NM_001164000.2, NM_001205194.2 and 5 more transcripts); c.506C>A, p.Thr169Lys (NM_001163999.2, NM_001366467.2, NM_001366468.2 and 1 more transcripts); c.1067C>A, p.Thr356Lys (NM_001366466.2, NM_001366473.2); short protein forms T169K, T356K, T168K, T233K.
Identifiers: ClinVar variation 4624712 (VCV004624712.1).

ClinVar aggregate classification (germline): Uncertain significance (1 of 4 stars; one submission).

Conditions:
Inborn genetic diseases. Identifiers: MedGen C0950123, MeSH D030342.

Submission:

Ambry Genetics
Classification: Uncertain significance for Inborn genetic diseases. Last evaluated: 2025-11-24. Review status: criteria provided, single submitter. Criteria: Ambry Variant Classification Scheme 2023. Collection method: clinical testing. Allele origin: germline.
Comment: The p.T356K variant (also known as c.1067C>A), located in coding exon 7 of the MECOM gene, results from a C to A substitution at nucleotide position 1067. The threonine at codon 356 is replaced by lysine, an amino acid with similar properties. This amino acid position is conserved. In addition, this alteration is predicted to be deleterious by in silico analysis. Based on the available evidence, the clinical significance of this variant remains unclear.